The following is an entry in ClinVar:

ClinVar aggregate classification (germline): Uncertain significance. Review status: criteria provided, multiple submitters, no conflicts (2 of 4 stars). 2 submissions from 2 submitters: Uncertain significance (2). Last evaluated 2020-01-24.

Conditions:
Dilated cardiomyopathy 1G (CMD1G). Identifiers: Orphanet 154, MedGen C1858763, MONDO:0011400, OMIM 604145.
Autosomal recessive limb-girdle muscular dystrophy type 2J (LGMDR10). Also called: Limb-girdle muscular dystrophy, type 2J; MUSCULAR DYSTROPHY, LIMB-GIRDLE, AUTOSOMAL RECESSIVE 10. Identifiers: Orphanet 140922, MedGen C1837342, MONDO:0012127, OMIM 608807.
Cardiovascular phenotype. Identifiers: MedGen CN230736.

Allele frequency attached by ClinVar (database versions not stated): gnomAD exomes below 0.00001; TOPMed below 0.00001.
gnomAD v4.1: 4 of 1,613,284 alleles (0.00025%); highest among the groups gnomAD compares: Middle Eastern, 0.033%; no homozygotes.

Submissions (2):

Ambry Genetics
Classification: Uncertain significance for Cardiovascular phenotype. Last evaluated: 2020-01-24. Review status: criteria provided, single submitter. Criteria: Ambry Variant Classification Scheme 2023. Collection method: clinical testing. Allele origin: germline.
Comment: The p.M15561I variant (also known as c.46683G>A), located in coding exon 153 of the TTN gene, results from a G to A substitution at nucleotide position 46683. The methionine at codon 15561 is replaced by isoleucine, an amino acid with highly similar properties. This amino acid position is poorly conserved in available vertebrate species. In addition, this alteration is predicted to be tolerated by in silico analysis. Since supporting evidence is limited at this time, the clinical significance of this alteration remains unclear.

Labcorp Genetics (formerly Invitae), Labcorp
Classification: Uncertain significance for Dilated cardiomyopathy 1G; Autosomal recessive limb-girdle muscular dystrophy type 2J. Last evaluated: 2016-08-24. Review status: criteria provided, single submitter. Criteria: Invitae Variant Classification Sherloc (09022015). Collection method: clinical testing. Allele origin: germline.

NM_001267550.2(TTN):c.73878G>A (p.Met24626Ile)

Genes: TTN-AS1 (TTN antisense RNA 1; plus strand), TTN (titin; minus strand). Cytogenetic location: 2q31.2.
Variant type: single nucleotide variant.
Coding change: c.73878G>A on transcript NM_001267550.2 (MANE Select); coding-DNA position 73878, G replaced by A.
Protein change: p.Met24626Ile; replaces methionine 24626 with isoleucine.
Molecular consequence: missense variant.
Genome position (GRCh38, 1-based): chr2:178,572,254, C>T on the plus strand (G>A on the coding strand, the complement: TTN is on the minus strand). VCF-style: chr2-178572254-C-T. GRCh37 (hg19) VCF-style: chr2-179436981-C-T.
Other names: c.68955G>A, p.Met22985Ile (NM_001256850.1); c.46683G>A, p.Met15561Ile (NM_003319.4); c.66174G>A, p.Met22058Ile (NM_133378.4); c.47058G>A, p.Met15686Ile (NM_133432.3); c.47259G>A, p.Met15753Ile (NM_133437.4); short protein forms M24626I, M15753I, M15686I, M22058I, M22985I, M15561I.
Identifiers: ClinVar variation 405104 (VCV000405104.5), dbSNP rs1060500561, ClinGen allele CA16610312.